The following is an entry in ClinVar:

ClinVar aggregate classification (germline): Benign. Review status: criteria provided, multiple submitters, no conflicts (2 of 4 stars). 5 submissions from 5 submitters: Benign (4). 1 of the submissions does not count toward it. Last evaluated 2026-02-04.

Conditions:
OCA2-related disorder. Also called: OCA2-related condition.
Tyrosinase-positive oculocutaneous albinism (OCA2). Also called: Oculocutaneous albinism type 2; Albinism, oculocutaneous, type II; ALBINISM II. Identifiers: Orphanet 79432, MedGen C0268495, MONDO:0008746, OMIM 203200.

Allele frequency attached by ClinVar (database versions not stated): TOPMed 0.00378; 1000 Genomes Project 30x 0.01390; 1000 Genomes Project 0.01498.
gnomAD v4.1: 2,238 of 1,613,584 alleles (0.14%); highest among the groups gnomAD compares: East Asian, 4.4%; 54 homozygotes.

Submissions (5):

Labcorp Genetics (formerly Invitae), Labcorp
Classification: Benign. Last evaluated: 2026-02-04. Review status: criteria provided, single submitter. Criteria: Invitae Variant Classification Sherloc (09022015). Collection method: clinical testing. Allele origin: germline.

Illumina Laboratory Services, Illumina
Classification: Benign for Tyrosinase-positive oculocutaneous albinism. Last evaluated: 2018-01-13. Review status: criteria provided, single submitter. Criteria: ICSL Variant Classification Criteria 13 December 2019. Collection method: clinical testing. Allele origin: germline.
Comment: This variant was observed in the ICSL laboratory as part of a predisposition screen in an ostensibly healthy population. It had not been previously curated by ICSL or reported in the Human Gene Mutation Database (HGMD: prior to June 1st, 2018), and was therefore a candidate for classification through an automated scoring system. Utilizing variant allele frequency, disease prevalence and penetrance estimates, and inheritance mode, an automated score was calculated to assess if this variant is too frequent to cause the disease. Based on the score and internal cut-off values, a variant classified as benign is not then subjected to further curation. The score for this variant resulted in a classification of benign for this disease.

Eurofins Ntd Llc (ga)
Classification: Benign. Last evaluated: 2015-11-09. Review status: criteria provided, single submitter. Criteria: EGL Classification Definitions 2015. Collection method: clinical testing. Allele origin: germline. Observed: 1 variant allele, 1 heterozygote.

Breakthrough Genomics
Classification: Benign. Review status: criteria provided, single submitter. Criteria: ACMG Guidelines, 2015. Collection method: not provided. Allele origin: germline. Inheritance: Autosomal recessive inheritance. Affected: yes.

PreventionGenetics, part of Exact Sciences
Classification: Benign for OCA2-related condition. Last evaluated: 2019-02-22. Review status: no assertion criteria provided. Collection method: clinical testing. Allele origin: germline. Not counted in ClinVar's aggregate classification.
Comment: This variant is classified as benign based on ACMG/AMP sequence variant interpretation guidelines (Richards et al. 2015 PMID: 25741868, with internal and published modifications).

NM_000275.3(OCA2):c.722C>G (p.Pro241Arg)

Gene: OCA2 (OCA2 melanosomal transmembrane protein; minus strand). Cytogenetic location: 15q13.1.
Variant type: single nucleotide variant.
Coding change: c.722C>G on transcript NM_000275.3 (MANE Select); coding-DNA position 722, C replaced by G.
Protein change: p.Pro241Arg; replaces proline 241 with arginine.
Molecular consequence: missense variant.
Genome position (GRCh38, 1-based): chr15:28,018,482, G>C on the plus strand (C>G on the coding strand, the complement: OCA2 is on the minus strand). VCF-style: chr15-28018482-G-C. GRCh37 (hg19) VCF-style: chr15-28263628-G-C.
Other names: c.722C>G, p.Pro241Arg (NM_001300984.2); short protein forms P241R.
Identifiers: ClinVar variation 284034 (VCV000284034.22), dbSNP rs2305253, ClinGen allele CA7439373.